The following is an entry in ClinVar:

ClinVar aggregate classification (germline): Uncertain significance (1 of 4 stars; one submission).

Submission:

GeneDx
Classification: Uncertain significance. Last evaluated: 2024-04-21. Review status: criteria provided, single submitter. Criteria: GeneDx Variant Classification Process June 2021. Collection method: clinical testing. Allele origin: germline. Affected: yes.
Comment: Not observed at significant frequency in large population cohorts (gnomAD); In silico analysis supports that this missense variant has a deleterious effect on protein structure/function; Has not been previously published as pathogenic or benign to our knowledge

NM_006516.4(SLC2A1):c.1121G>A (p.Gly374Asp)

Gene: SLC2A1 (solute carrier family 2 member 1; minus strand). Cytogenetic location: 1p34.2.
Variant type: single nucleotide variant.
Coding change: c.1121G>A on transcript NM_006516.4 (MANE Select); coding-DNA position 1121, G replaced by A.
Protein change: p.Gly374Asp; replaces glycine 374 with aspartic acid.
Molecular consequence: missense variant.
Genome position (GRCh38, 1-based): chr1:42,927,762, C>T on the plus strand (G>A on the coding strand, the complement: SLC2A1 is on the minus strand). VCF-style: chr1-42927762-C-T. GRCh37 (hg19) VCF-style: chr1-43393433-C-T.
Other names: short protein forms G374D.
Identifiers: ClinVar variation 3372703 (VCV003372703.1).